The following is an entry in ClinVar:

NM_000545.8(HNF1A):c.598C>A (p.Arg200=)

Gene: HNF1A (HNF1 homeobox A; plus strand). Cytogenetic location: 12q24.31.
Variant type: single nucleotide variant.
Coding change: c.598C>A on transcript NM_000545.8 (MANE Select); coding-DNA position 598, C replaced by A.
Protein change: p.Arg200=; no amino-acid change (arginine 200 retained).
Molecular consequence: synonymous variant.
Genome position (GRCh38, 1-based): chr12:120,993,591, C>A. VCF-style: chr12-120993591-C-A. GRCh37 (hg19) VCF-style: chr12-121431394-C-A.
Other names: c.598C>A, p.Arg200= (NM_001306179.2, NM_001406915.1).
Identifiers: ClinVar variation 1802524 (VCV001802524.1), dbSNP rs193922598, ClinGen allele CA482164048.
Genomic context (GRCh38, chr12:120,993,591, plus strand): 5'-GCAGGGCAGGGAGGGCTGATTGAAGAGCCCACAGGTGATGAGCTACCAACCAAGAAGGGG[C>A]GGAGGAACCGTTTCAAGTGGGGCCCAGCATCCCAGCAGATCCTGTTCCAGGCCTATGAGA-3'
Protein context (NP_000536.6, residues 190-210): TGDELPTKKG[Arg200=]RNRFKWGPAS

ClinVar aggregate classification (germline): Likely risk allele (1 of 4 stars; one submission).

Conditions:
Maturity-onset diabetes of the young (MODY). Also called: Maturity onset diabetes mellitus in young. Identifiers: Orphanet 552, MedGen C0342276, MONDO:0018911, HP:0004904.

Allele frequency attached by ClinVar (database versions not stated): gnomAD 0.00001; TOPMed below 0.00001.

Submission:

Clinical Genomics, Uppaluri K&H Personalized Medicine Clinic
Classification: Likely risk allele for Maturity-onset diabetes of the young. Review status: criteria provided, single submitter. Criteria: K & H Uppaluri Personalized Medicine Clinic Variant Classification & Assertion Criteria_Updated V.1. Collection method: research. Allele origin: unknown. Inheritance: Autosomal dominant inheritance.
Comment: Mutations in HNF1A gene can predispose to MODY3. It is associated with both micro and macrovascular complications of diabetes, especially cardiovascular complications. Associated with glucosuria. May respond well to sulfonylureas. Sufficient evidence is found to confer the association of this particular variant rs193922598 with MODY3.

Literature cited by the submitters: PubMed 32238361; PubMed 31485449; PubMed 24014008.